The following is an entry in ClinVar:

NM_001387777.1(TNS1):c.2370C>A (p.Arg790=)

Gene: TNS1 (tensin 1; minus strand). Cytogenetic location: 2q35.
Variant type: single nucleotide variant.
Coding change: c.2370C>A on transcript NM_001387777.1 (MANE Select); coding-DNA position 2370, C replaced by A.
Protein change: p.Arg790=; no amino-acid change (arginine 790 retained).
Molecular consequence: synonymous variant.
Genome position (GRCh38, 1-based): chr2:217,848,147, G>T on the plus strand (C>A on the coding strand, the complement: TNS1 is on the minus strand). VCF-style: chr2-217848147-G-T. GRCh37 (hg19) VCF-style: chr2-218712870-G-T.
Other names: c.1995C>A, p.Arg665= (NM_001308022.2, NM_001308023.2, NM_022648.7).
Identifiers: ClinVar variation 740339 (VCV000740339.5), dbSNP rs745579980, ClinGen allele CA2100248.
Genomic context (GRCh38, chr2:217,848,147, plus strand): 5'-CAATGGCTGAGGGCTGGGCCTGCTGGCTACAAGACTCTCCAAGTGGGCTCTTTCCTGCTG[G>T]CGTGGAGGTGGGCGAGGCTGCTGCTGCTGCTGCTGCTGCTGCTGCCACGAATTCAGTCCC-3'
Protein context (NP_001374706.1, residues 780-800): QQQQQPRPPP[Arg790=]QQERAHLESL

ClinVar aggregate classification (germline): Likely benign. Review status: criteria provided, single submitter (1 of 4 stars). 2 submissions from 2 submitters: Likely benign (1). 1 of the submissions does not count toward it. Last evaluated 2018-04-13.

Conditions:
TNS1-related disorder. Also called: TNS1-related condition.

Allele frequency attached by ClinVar (database versions not stated): gnomAD 0.00004; gnomAD exomes 0.00011 and 0.00031; TOPMed 0.00014; ExAC 0.00036.
gnomAD v4.1: 169 of 1,600,728 alleles (0.011%); highest among the groups gnomAD compares: Admixed American, 0.098%; 1 homozygote.

Submissions (2):

Labcorp Genetics (formerly Invitae), Labcorp
Classification: Likely benign. Last evaluated: 2018-04-13. Review status: criteria provided, single submitter. Criteria: Invitae Variant Classification Sherloc (09022015). Collection method: clinical testing. Allele origin: germline.

PreventionGenetics, part of Exact Sciences
Classification: Likely benign for TNS1-related condition. Last evaluated: 2019-04-15. Review status: no assertion criteria provided. Collection method: clinical testing. Allele origin: germline. Not counted in ClinVar's aggregate classification.
Comment: This variant is classified as likely benign based on ACMG/AMP sequence variant interpretation guidelines (Richards et al. 2015 PMID: 25741868, with internal and published modifications).